The following is an entry in ClinVar:

ClinVar aggregate classification (germline): Conflicting classifications of pathogenicity. Review status: criteria provided, conflicting classifications (1 of 4 stars). 14 submissions from 14 submitters: Pathogenic (7); Likely pathogenic (5); Uncertain significance (1). 1 of the submissions does not count toward it. Last evaluated 2026-06-01.

Conditions:
Glycogen storage disease, type IV (GSD4). Also called: Glycogen storage disease due to glycogen branching enzyme deficiency; AMYLOPECTINOSIS; ANDERSEN DISEASE; BRANCHER DEFICIENCY; CIRRHOSIS, FAMILIAL, WITH DEPOSITION OF ABNORMAL GLYCOGEN; GBE1 DEFICIENCY. Identifiers: Orphanet 367, MedGen C0017923, MONDO:0009292, OMIM 232500.
Adult polyglucosan body disease (APBN). Also called: GBE1-Adult Polyglucosan Body Disease; POLYGLUCOSAN BODY DISEASE, ADULT FORM. Identifiers: Orphanet 206583, MedGen C1849722, MONDO:0009897, OMIM 263570.
Glycogen storage disease IV, classic hepatic. Also called: GSD IV, CLASSIC HEPATIC. Identifiers: MedGen C1856301.
GBE1-related disorder. Also called: GBE1-related condition; GBE1-related disorders. Identifiers: MedGen CN239402.

Allele frequency attached by ClinVar (database versions not stated): ExAC 0.00002; gnomAD 0.00003 and 0.00004; gnomAD exomes 0.00005 and 0.00006; TOPMed 0.00007.
gnomAD v4.1: 89 of 1,604,398 alleles (0.0055%); highest among the groups gnomAD compares: Non-Finnish European, 0.0074%; no homozygotes.

Submissions (14):

CeGaT Center for Human Genetics Tuebingen
Classification: Pathogenic. Last evaluated: 2026-06-01. Review status: criteria provided, single submitter. Criteria: CeGaT Center For Human Genetics Tuebingen Variant Classification Criteria Version 2. Collection method: clinical testing. Allele origin: germline. Affected: yes. Observed: 4 variant alleles.
Comment: GBE1: PM3:Very Strong, PM2

Labcorp Genetics (formerly Invitae), Labcorp
Classification: Pathogenic for Glycogen storage disease, type IV; Glycogen storage disease IV, classic hepatic. Last evaluated: 2026-01-26. Review status: criteria provided, single submitter. Criteria: Invitae Variant Classification Sherloc (09022015). Collection method: clinical testing. Allele origin: germline.
Comment: This sequence change replaces threonine, which is neutral and polar, with alanine, which is neutral and non-polar, at codon 254 of the GBE1 protein (p.Thr254Ala). This variant is present in population databases (rs770427750, gnomAD 0.009%). This missense change has been observed in individual(s) with adult polyglucosan body disease (APBD) and/or glycogen storage disease IV (GSD IV) (PMID: 30569318, 33332610, 36830903, 37152446, 39825153). ClinVar contains an entry for this variant (Variation ID: 374517). Invitae Evidence Modeling of protein sequence and biophysical properties (such as structural, functional, and spatial information, amino acid conservation, physicochemical variation, residue mobility, and thermodynamic stability) has been performed for this missense variant. However, the output from this modeling did not meet the statistical confidence thresholds required to predict the impact of this variant on GBE1 protein function. For these reasons, this variant has been classified as Pathogenic.

Natera, Inc.
Classification: Pathogenic for Glycogen storage disease type IV. Last evaluated: 2025-12-18. Review status: criteria provided, single submitter. Criteria: Natera Variant Classification Schema (03/2026). Collection method: clinical testing. Allele origin: germline.
Comment: The c.760A>G variant in GBE1 is a missense variant predicted to cause substitution of threonine to alanine at amino acid 254. This variant is rare in the general population with a frequency below the threshold expected for the associated phenotype(s). This variant has been observed in one or more individuals affected with the associated recessive disease, as either homozygous or compound heterozygous with a second variant (PMID: 36830903, 30569318, 38912588). Computational prediction algorithms indicate this variant is likely to affect gene or protein function. Given the available evidence, this variant is classified as Pathogenic.

GeneDx
Classification: Pathogenic. Last evaluated: 2025-10-31. Review status: criteria provided, single submitter. Criteria: GeneDx Variant Classification Process June 2021. Collection method: clinical testing. Allele origin: germline. Affected: yes.
Comment: Not observed at significant frequency in large population cohorts (gnomAD); In silico analysis supports that this missense variant has a deleterious effect on protein structure/function; This variant is associated with the following publications: (PMID: 20058079, 33332610, 30228975, 27243974, 36830903, 36628840, 30569318, 38164512, 37152446, 27107456)

Greenwood Genetic Center Diagnostic Laboratories, Greenwood Genetic Center
Classification: Uncertain significance for GBE1-related disorder. Last evaluated: 2025-09-08. Review status: criteria provided, single submitter. Criteria: ACMG Guidelines, 2015. Collection method: clinical testing. Allele origin: germline. Affected: yes.
Comment: PM2

Institute of Human Genetics, University of Leipzig Medical Center
Classification: Likely pathogenic for Adult polyglucosan body disease. Last evaluated: 2025-06-19. Review status: criteria provided, single submitter. Criteria: ACMG Guidelines, 2015. Collection method: clinical testing. Allele origin: unknown. Inheritance: Autosomal recessive inheritance. Affected: yes.
Comment: Criteria applied: PM1,PM3,PM2_SUP,PP3; comp-het with c.785G>A, p.(Arg262His)

Women's Health and Genetics/Laboratory Corporation of America, LabCorp
Classification: Pathogenic for Glycogen storage disease, type IV. Last evaluated: 2025-05-29. Review status: criteria provided, single submitter. Criteria: LabCorp Variant Classification Summary - May 2015. Collection method: clinical testing. Allele origin: germline.
Comment: Variant summary: GBE1 c.760A>G (p.Thr254Ala) results in a non-conservative amino acid change located in the Glycosyl hydrolase, family 13, catalytic domain of the encoded protein sequence. Algorithms developed to predict the effect of missense changes on protein structure and function all suggest that this variant is likely to be disruptive. The variant allele was found at a frequency of 5.4e-05 in 242554 control chromosomes (gnomAD). This frequency is not significantly higher than estimated for a pathogenic variant in GBE1 causing Glycogen Storage Disease, Type IV (5.4e-05 vs 0.0013), allowing no conclusion about variant significance. c.760A>G has been observed in multiple individuals affected with Glycogen Storage Disease, Type IV (Schene_2018, Derks_2020, Schuermans_2023, Wilke_2023). These data indicate that the variant is very likely to be associated with disease. To our knowledge, no experimental evidence demonstrating an impact on protein function has been reported. The following publications have been ascertained in the context of this evaluation (PMID: 33332610, 30228975, 20058079, 27107456, 30569318, 37152446, 36830903, 27243974). ClinVar contains an entry for this variant (Variation ID: 374517). Based on the evidence outlined above, the variant was classified as pathogenic.

Broad Center for Mendelian Genomics, Broad Institute of MIT and Harvard
Classification: Likely pathogenic for Glycogen storage disease, type IV. Last evaluated: 2025-05-05. Review status: criteria provided, single submitter. Criteria: ACMG Guidelines, 2015. Collection method: curation. Allele origin: germline. Inheritance: Autosomal recessive inheritance.
Comment: The p.Thr254Ala variant in GBE1 has been reported in 5 individuals with glycogen storage disease type IV (GSD IV) (PMID: 30569318, 33332610, 38164512, 36830903), segregated with disease in 1 individual from 1 family (PMID: 33332610), and has been identified in 0.007% (87/1175514) of European (non-Finnish) chromosomes by the Genome Aggregation Database (gnomAD; dbSNP ID: rs770427750). Although this variant has been seen in the general population in a heterozygous state, its frequency is low enough to be consistent with a recessive carrier frequency. Of the 5 affected individuals, 2 were compound heterozygotes that carried a reported pathogenic variant in trans, which increases the likelihood that the p.Thr254Ala variant is pathogenic (VariationID: 1053439, 208584; PMID: 33332610, 30569318). This variant has also been reported in ClinVar (Variation ID#: 374517) and has been interpreted as pathogenic/likely pathogenic by Baylor Genetics, Institute of Human Genetics (University of Leipzig Medical Center), Labcorp Genetics (formerly Invitae), GeneDx, and MGZ Medical Genetics Center, and as a variant of uncertain significance by Greenwood Genetic Center Diagnostic Laboratories (Greenwood Genetic Center), Women's Health and Genetics/Laboratory Corporation of America, and Illumina Laboratory Services. Computational prediction tools and conservation analyses suggest that this variant may impact the protein, though this information is not predictive enough to determine pathogenicity. In summary, although additional studies are required to fully establish its clinical significance, this variant is likely pathogenic for autosomal recessive GSD IV. ACMG/AMP Criteria applied: PM3_strong, PP3_moderate, PM2_supporting (Richards 2015).

Mayo Clinic Laboratories, Mayo Clinic
Classification: Pathogenic. Last evaluated: 2025-05-02. Review status: criteria provided, single submitter. Criteria: ACMG Guidelines, 2015. Collection method: clinical testing. Allele origin: germline. Observed: 1 variant allele.
Comment: PP3_strong, PP4, PM2_supporting, PM3_very_strong

Blueprint Genetics
Classification: Likely pathogenic for GBE1-related disorders. Last evaluated: 2024-11-26. Review status: criteria provided, single submitter. Criteria: ACMG Guidelines, 2015. Collection method: clinical testing. Allele origin: germline. Affected: yes. Observed: 5 variant alleles.

Fulgent Genetics
Classification: Likely pathogenic for Glycogen storage disease, type IV; Adult polyglucosan body disease. Last evaluated: 2024-05-24. Review status: criteria provided, single submitter. Criteria: ACMG Guidelines, 2015. Collection method: clinical testing. Allele origin: germline.

Baylor Genetics
Classification: Pathogenic for Glycogen storage disease, type IV. Last evaluated: 2024-03-30. Review status: criteria provided, single submitter. Criteria: ACMG Guidelines, 2015. Collection method: clinical testing. Allele origin: unknown.

MGZ Medical Genetics Center
Classification: Likely pathogenic for Glycogen storage disease, type IV. Last evaluated: 2022-08-22. Review status: criteria provided, single submitter. Criteria: ACMG Guidelines, 2015. Collection method: clinical testing. Allele origin: germline. Affected: yes. Observed: 2 variant alleles.
Comment: ACMG criteria applied: PM3_STR, PS4_MOD, PS3_SUP, PM2_SUP, PP3

Solve-RD Consortium
Classification: Likely pathogenic for Glycogen storage disease, type IV. Last evaluated: 2022-06-01. Review status: no assertion criteria provided. Collection method: provider interpretation. Allele origin: inherited. Affected: yes. Not counted in ClinVar's aggregate classification.
Comment: Variant confirmed as disease-causing by referring clinical team

Variant identified during reanalysis of unsolved cases by the Solve-RD project. The Solve-RD project has received funding from the European Union’s Horizon 2020 research and innovation programme under grant agreement No 779257.

Literature cited by the submitters: PubMed 30569318 (cited by 4 submitters); PubMed 33332610 (cited by 3 submitters); PubMed 36830903 (cited by 4 submitters); PubMed 37152446 (cited by 3 submitters); PubMed 39825153 (cited by 3 submitters); PubMed 38912588 (cited by Natera, Inc.); PubMed 27243974 (cited by Women's Health and Genetics/Laboratory Corporation of America, LabCorp and Mayo Clinic Laboratories, Mayo Clinic); PubMed 30228975 (cited by Women's Health and Genetics/Laboratory Corporation of America, LabCorp and Mayo Clinic Laboratories, Mayo Clinic); PubMed 20058079 (cited by Women's Health and Genetics/Laboratory Corporation of America, LabCorp); PubMed 27107456 (cited by Women's Health and Genetics/Laboratory Corporation of America, LabCorp and Mayo Clinic Laboratories, Mayo Clinic); PubMed 36628840 (cited by Mayo Clinic Laboratories, Mayo Clinic); PubMed 38164512 (cited by Mayo Clinic Laboratories, Mayo Clinic).

NM_000158.4(GBE1):c.760A>G (p.Thr254Ala)

Gene: GBE1 (1,4-alpha-glucan branching enzyme 1; minus strand). Cytogenetic location: 3p12.2.
Variant type: single nucleotide variant.
Coding change: c.760A>G on transcript NM_000158.4 (MANE Select); coding-DNA position 760, A replaced by G.
Protein change: p.Thr254Ala; replaces threonine 254 with alanine.
Molecular consequence: missense variant.
Genome position (GRCh38, 1-based): chr3:81,646,414, T>C on the plus strand (A>G on the coding strand, the complement: GBE1 is on the minus strand). VCF-style: chr3-81646414-T-C. GRCh37 (hg19) VCF-style: chr3-81695565-T-C.
Other names: NM_000158.4(GBE1):c.760A>G; p.Thr254Ala; short protein forms T254A.
Identifiers: ClinVar variation 374517 (VCV000374517.72), dbSNP rs770427750, ClinGen allele CA2499872.